The following is an entry in ClinVar:

NM_004517.4(ILK):c.978+5_979-38dup

Genes: ILK (integrin linked kinase; plus strand), TAF10 (TATA-box binding protein associated factor 10; minus strand). Cytogenetic location: 11p15.4.
Variant type: Duplication.
Coding change: c.978+5_979-38dup on transcript NM_004517.4 (MANE Select); 5 bases into the intron after coding-DNA position 978 through 38 bases into the intron before coding-DNA position 979, 49 bases duplicated.
Molecular consequence: intron variant. On other transcripts: 3 prime UTR variant (1).
Genome position (GRCh38, 1-based): chr11:6,609,850-6,609,898, 49 bases duplicated. GRCh37 (hg19): chr11:6,631,081-6,631,129.
Other names: c.*1024_*1072dup (NM_006284.4); c.978+5_979-38dup (NM_001014795.3, NM_001014794.3); c.795+5_796-38dup (NM_001278441.2); c.576+5_577-38dup (NM_001278442.2).
Identifiers: ClinVar variation 1002892 (VCV001002892.9), dbSNP rs1392922443, ClinGen allele CA597439511.
Genomic context (GRCh38, chr11:6,609,849, plus strand): 5'-CTACACACACTAGAGCCCCTCATCCCACGACATGCACTCAATAGCCGTAGTGTAATGGTG[A>AGGCCACAAGCTCACTCCTGGCCCAGGCCCCAAAAGCCCTTTGCCTATCT]GGCCACAAGCTCACTCCTGGCCCAGGCCCCAAAAGCCCTTTGCCTATCTATGACTTACCT-3'

ClinVar aggregate classification (germline): Uncertain significance (1 of 4 stars; one submission).

Conditions:
Primary familial hypertrophic cardiomyopathy (HCM). Identifiers: Orphanet 99739, MedGen C0949658, MeSH D024741, MONDO:0024573. Inheritance: Various modes of inheritance.

Allele frequency attached by ClinVar (database versions not stated): gnomAD 0.00001; gnomAD exomes 0.00001.

Submission:

Labcorp Genetics (formerly Invitae), Labcorp
Classification: Uncertain significance for Primary familial hypertrophic cardiomyopathy. Last evaluated: 2020-09-30. Review status: criteria provided, single submitter. Criteria: Invitae Variant Classification Sherloc (09022015). Collection method: clinical testing. Allele origin: germline.
Comment: In summary, the available evidence is currently insufficient to determine the role of this variant in disease. Therefore, it has been classified as a Variant of Uncertain Significance. Algorithms developed to predict the effect of sequence changes on RNA splicing suggest that this variant may create or strengthen a splice site, but this prediction has not been confirmed by published transcriptional studies. This variant has not been reported in the literature in individuals with ILK-related conditions. This variant is not present in population databases (ExAC no frequency). This sequence change falls in intron 10 of the ILK gene. It does not directly change the encoded amino acid sequence of the ILK protein.